The following is an entry in ClinVar:

NM_006254.4(PRKCD):c.1672G>A (p.Glu558Lys)

Gene: PRKCD (protein kinase C delta; plus strand). Cytogenetic location: 3p21.1.
Variant type: single nucleotide variant.
Coding change: c.1672G>A on transcript NM_006254.4 (MANE Select); coding-DNA position 1672, G replaced by A.
Protein change: p.Glu558Lys; replaces glutamic acid 558 with lysine.
Molecular consequence: missense variant.
Genome position (GRCh38, 1-based): chr3:53,189,175, G>A. VCF-style: chr3-53189175-G-A. GRCh37 (hg19) VCF-style: chr3-53223191-G-A.
Other names: c.1672G>A, p.Glu558Lys (NM_001316327.2, NM_001354679.2, NM_001354680.2 and 1 more transcripts); c.1729G>A, p.Glu577Lys (NM_001354676.2); c.1720G>A, p.Glu574Lys (NM_001354678.2); short protein forms E577K, E574K, E558K.
Identifiers: ClinVar variation 944012 (VCV000944012.7), dbSNP rs1575544853, ClinGen allele CA353223975.
Genomic context (GRCh38, chr3:53,189,175, plus strand): 5'-CTGTACGAGATGCTCATTGGCCAGTCCCCCTTCCATGGTGATGATGAGGATGAACTCTTC[G>A]AGTCCATCCGTGTGGACACGCCACATTATCCCCGCTGGATCACCAAGGAGTCCAAGGACA-3'
Protein context (NP_006245.2, residues 548-568): FHGDDEDELF[Glu558Lys]SIRVDTPHYP

ClinVar aggregate classification (germline): Uncertain significance (1 of 4 stars; one submission).

Conditions:
Autoimmune lymphoproliferative syndrome, type III caused by mutation in PRKCD. Identifiers: Orphanet 3261, Orphanet 664711, MedGen C3809928, MONDO:8000024, OMIM 615559.

Allele frequency attached by ClinVar (database versions not stated): gnomAD 0.00001; 1000 Genomes Project 30x 0.00016.

Submission:

Labcorp Genetics (formerly Invitae), Labcorp
Classification: Uncertain significance for Autoimmune lymphoproliferative syndrome, type III caused by mutation in PRKCD. Last evaluated: 2019-06-06. Review status: criteria provided, single submitter. Criteria: Invitae Variant Classification Sherloc (09022015). Collection method: clinical testing. Allele origin: germline.
Comment: Algorithms developed to predict the effect of missense changes on protein structure and function are either unavailable or do not agree on the potential impact of this missense change (SIFT: "Deleterious"; PolyPhen-2: "Probably Damaging"; Align-GVGD: "Class C0"). In summary, the available evidence is currently insufficient to determine the role of this variant in disease. Therefore, it has been classified as a Variant of Uncertain Significance. This variant has not been reported in the literature in individuals with PRKCD-related conditions. This variant is not present in population databases (ExAC no frequency). This sequence change replaces glutamic acid with lysine at codon 558 of the PRKCD protein (p.Glu558Lys). The glutamic acid residue is highly conserved and there is a small physicochemical difference between glutamic acid and lysine.